The following is an entry in ClinVar:

ClinVar aggregate classification (germline): Uncertain significance. Review status: criteria provided, multiple submitters, no conflicts (2 of 4 stars). 3 submissions from 3 submitters: Uncertain significance (3). Last evaluated 2025-07-07.

Conditions:
Hereditary cancer-predisposing syndrome. Also called: Hereditary neoplastic syndrome; Neoplastic Syndromes, Hereditary; Tumor predisposition; Hereditary Cancer Syndrome. Identifiers: Orphanet 140162, MedGen C0027672, MeSH D009386, MONDO:0015356.
Familial adenomatous polyposis 1 (FAP1). Also called: POLYPOSIS, ADENOMATOUS INTESTINAL; FAMILIAL ADENOMATOUS POLYPOSIS 1, ATTENUATED. Identifiers: MedGen C2713442, MONDO:0021056, OMIM 175100. Disease mechanism: loss of function.

Allele frequency attached by ClinVar (database versions not stated): gnomAD exomes below 0.00001.

Submissions (3):

Labcorp Genetics (formerly Invitae), Labcorp
Classification: Uncertain significance for Familial adenomatous polyposis 1. Last evaluated: 2025-07-07. Review status: criteria provided, single submitter. Criteria: Invitae Variant Classification Sherloc (09022015). Collection method: clinical testing. Allele origin: germline.
Comment: This sequence change replaces arginine, which is basic and polar, with lysine, which is basic and polar, at codon 2670 of the APC protein (p.Arg2670Lys). This variant is not present in population databases (gnomAD no frequency). This variant has not been reported in the literature in individuals affected with APC-related conditions. ClinVar contains an entry for this variant (Variation ID: 1320702). Invitae Evidence Modeling of protein sequence and biophysical properties (such as structural, functional, and spatial information, amino acid conservation, physicochemical variation, residue mobility, and thermodynamic stability) indicates that this missense variant is not expected to disrupt APC protein function with a negative predictive value of 95%. In summary, the available evidence is currently insufficient to determine the role of this variant in disease. Therefore, it has been classified as a Variant of Uncertain Significance.

Ambry Genetics
Classification: Uncertain significance for Hereditary cancer-predisposing syndrome. Last evaluated: 2024-10-07. Review status: criteria provided, single submitter. Criteria: Ambry Variant Classification Scheme 2023. Collection method: clinical testing. Allele origin: germline.
Comment: The p.R2670K variant (also known as c.8009G>A), located in coding exon 15 of the APC gene, results from a G to A substitution at nucleotide position 8009. The arginine at codon 2670 is replaced by lysine, an amino acid with highly similar properties. Missense alterations in APC are not a common cause of disease (Spier I et al. Genet Med. 2024 Feb;26(2):100992). This amino acid position is highly conserved in available vertebrate species. In addition, in silico predictors for this gene do not accurately predict pathogenicity. Based on the available evidence, the clinical significance of this variant remains unclear.

GeneDx
Classification: Uncertain significance. Last evaluated: 2021-03-03. Review status: criteria provided, single submitter. Criteria: GeneDx Variant Classification Process June 2021. Collection method: clinical testing. Allele origin: germline. Affected: yes.
Comment: Not observed at a significant frequency in large population cohorts (Lek 2016); In silico analysis supports that this missense variant does not alter protein structure/function; Has not been previously published as pathogenic or benign to our knowledge

NM_000038.6(APC):c.8009G>A (p.Arg2670Lys)

Gene: APC (APC regulator of Wnt signaling pathway; plus strand). Cytogenetic location: 5q22.2.
Variant type: single nucleotide variant.
Coding change: c.8009G>A on transcript NM_000038.6 (MANE Select); coding-DNA position 8009, G replaced by A.
Protein change: p.Arg2670Lys; replaces arginine 2670 with lysine.
Molecular consequence: missense variant.
Genome position (GRCh38, 1-based): chr5:112,843,603, G>A. VCF-style: chr5-112843603-G-A. GRCh37 (hg19) VCF-style: chr5-112179300-G-A.
Other names: c.8009G>A, p.Arg2670Lys (NM_001127510.3, NM_001354895.2); c.7955G>A, p.Arg2652Lys (NM_001127511.3); c.8063G>A, p.Arg2688Lys (NM_001354896.2); c.8039G>A, p.Arg2680Lys (NM_001354897.2); c.7934G>A, p.Arg2645Lys (NM_001354898.2); c.7925G>A, p.Arg2642Lys (NM_001354899.2); c.7886G>A, p.Arg2629Lys (NM_001354900.2); c.7832G>A, p.Arg2611Lys (NM_001354901.2); and 5 more; short protein forms R2387K, R2510K, R2544K, R2569K, R2579K, R2611K, R2629K, R2642K.
Identifiers: ClinVar variation 1320702 (VCV001320702.9), dbSNP rs1561619903, ClinGen allele CA16038729.
Genomic context (GRCh38, chr5:112,843,603, plus strand): 5'-CTGTTTCTAAAACAGAGGATGTTTGGGTGAGAATTGAGGACTGTCCCATTAACAATCCTA[G>A]ATCTGGAAGATCTCCCACAGGTAATACTCCCCCGGTGATTGACAGTGTTTCAGAAAAGGC-3'
Protein context (NP_000029.2, residues 2660-2680): RIEDCPINNP[Arg2670Lys]SGRSPTGNTP